The following is an entry in ClinVar:

ClinVar aggregate classification (germline): Uncertain significance (1 of 4 stars; one submission).

Conditions:
Meckel-Gruber syndrome. Also called: DYSENCEPHALIA SPLANCHNOCYSTICA; GRUBER SYNDROME; Dysencephalia splachnocystica. Identifiers: Orphanet 564, MedGen C0265215, MONDO:0018921.
Joubert syndrome. Also called: CEREBELLOPARENCHYMAL DISORDER IV; JOUBERT-BOLTSHAUSER SYNDROME; Familial aplasia of the vermis. Identifiers: Orphanet 475, MedGen C5979921, MONDO:0018772.

Submission:

Labcorp Genetics (formerly Invitae), Labcorp
Classification: Uncertain significance for Joubert syndrome; Meckel-Gruber syndrome. Last evaluated: 2024-10-24. Review status: criteria provided, single submitter. Criteria: Invitae Variant Classification Sherloc (09022015). Collection method: clinical testing. Allele origin: germline.
Comment: This sequence change replaces alanine, which is neutral and non-polar, with valine, which is neutral and non-polar, at codon 562 of the TCTN2 protein (p.Ala562Val). This variant is not present in population databases (gnomAD no frequency). This variant has not been reported in the literature in individuals affected with TCTN2-related conditions. ClinVar contains an entry for this variant (Variation ID: 1514930). Invitae Evidence Modeling of protein sequence and biophysical properties (such as structural, functional, and spatial information, amino acid conservation, physicochemical variation, residue mobility, and thermodynamic stability) indicates that this missense variant is expected to disrupt TCTN2 protein function with a positive predictive value of 80%. In summary, the available evidence is currently insufficient to determine the role of this variant in disease. Therefore, it has been classified as a Variant of Uncertain Significance.

NM_024809.5(TCTN2):c.1685C>T (p.Ala562Val)

Gene: TCTN2 (tectonic family member 2; plus strand). Cytogenetic location: 12q24.31.
Variant type: single nucleotide variant.
Coding change: c.1685C>T on transcript NM_024809.5 (MANE Select); coding-DNA position 1685, C replaced by T.
Protein change: p.Ala562Val; replaces alanine 562 with valine.
Molecular consequence: missense variant.
Genome position (GRCh38, 1-based): chr12:123,704,604, C>T. VCF-style: chr12-123704604-C-T. GRCh37 (hg19) VCF-style: chr12-124189151-C-T.
Other names: c.1682C>T, p.Ala561Val (NM_001143850.3); short protein forms A561V, A562V.
Identifiers: ClinVar variation 1514930 (VCV001514930.6), dbSNP rs2135859426, ClinGen allele CA387147707.
Genomic context (GRCh38, chr12:123,704,604, plus strand): 5'-CTGATCCAGGTGCAGACCCGCTGGCTAGCAGTGTGAACGGCATGTGCCTGGATATTCCTG[C>T]TCACCTGAGCATCCGCATCCTCATCTCGGATGCTGGCGCGGTGGAAGGGATTACTCAGCA-3'
Protein context (NP_079085.2, residues 552-572): SVNGMCLDIP[Ala562Val]HLSIRILISD